The following is an entry in ClinVar:

ClinVar aggregate classification (germline): Uncertain significance (1 of 4 stars; one submission).

Conditions:
Bethlem myopathy 1A. Also called: Bethlem myopathy 1; MYOPATHY, BENIGN CONGENITAL, WITH CONTRACTURES; Bethlem Muscular Dystrophy. Identifiers: Orphanet 610, MedGen CN029274, MONDO:0024530, OMIM 158810.

Allele frequency attached by ClinVar (database versions not stated): ExAC 0.00001.
gnomAD v4.1: 1 of 1,613,522 alleles (0.000062%); highest among the groups gnomAD compares: Admixed American, 0.0017%; no homozygotes.

Submission:

Labcorp Genetics (formerly Invitae), Labcorp
Classification: Uncertain significance for Bethlem myopathy 1A. Last evaluated: 2022-12-25. Review status: criteria provided, single submitter. Criteria: Invitae Variant Classification Sherloc (09022015). Collection method: clinical testing. Allele origin: germline.
Comment: This sequence change replaces aspartic acid, which is acidic and polar, with glycine, which is neutral and non-polar, at codon 1838 of the COL6A3 protein (p.Asp1838Gly). This variant is present in population databases (rs776513858, gnomAD 0.0009%). This variant has not been reported in the literature in individuals affected with COL6A3-related conditions. Advanced modeling of protein sequence and biophysical properties (such as structural, functional, and spatial information, amino acid conservation, physicochemical variation, residue mobility, and thermodynamic stability) performed at Invitae indicates that this missense variant is expected to disrupt COL6A3 protein function. In summary, the available evidence is currently insufficient to determine the role of this variant in disease. Therefore, it has been classified as a Variant of Uncertain Significance.

NM_004369.4(COL6A3):c.5513A>G (p.Asp1838Gly)

Gene: COL6A3 (collagen type VI alpha 3 chain; minus strand). Cytogenetic location: 2q37.3.
Variant type: single nucleotide variant.
Coding change: c.5513A>G on transcript NM_004369.4 (MANE Select); coding-DNA position 5513, A replaced by G.
Protein change: p.Asp1838Gly; replaces aspartic acid 1838 with glycine.
Molecular consequence: missense variant.
Genome position (GRCh38, 1-based): chr2:237,366,023, T>C on the plus strand (A>G on the coding strand, the complement: COL6A3 is on the minus strand). VCF-style: chr2-237366023-T-C. GRCh37 (hg19) VCF-style: chr2-238274666-T-C.
Other names: c.3692A>G, p.Asp1231Gly (NM_057166.5); c.4895A>G, p.Asp1632Gly (NM_057167.4); short protein forms D1231G, D1632G, D1838G.
Identifiers: ClinVar variation 1928716 (VCV001928716.5), dbSNP rs776513858, ClinGen allele CA2188638.